The following is an entry in ClinVar:

ClinVar aggregate classification (germline): Uncertain significance (1 of 4 stars; one submission).

gnomAD v4.1: 15 of 1,613,924 alleles (0.00093%); highest among the groups gnomAD compares: Non-Finnish European, 0.0012%; no homozygotes.

Submission:

Ambry Genetics
Classification: Uncertain significance. Last evaluated: 2025-04-19. Review status: criteria provided, single submitter. Criteria: Ambry Variant Classification Scheme 2023. Collection method: clinical testing. Allele origin: germline.
Comment: The p.V614G variant (also known as c.1841T>G), located in coding exon 13 of the GEN1 gene, results from a T to G substitution at nucleotide position 1841. The valine at codon 614 is replaced by glycine, an amino acid with dissimilar properties. This amino acid position is conserved. In addition, this alteration is predicted to be tolerated by in silico analysis. Based on the available evidence, the clinical significance of this variant remains unclear.

NM_001130009.3(GEN1):c.1841T>G (p.Val614Gly)

Gene: GEN1 (GEN1 Holliday junction 5' flap endonuclease; plus strand). Cytogenetic location: 2p24.2.
Variant type: single nucleotide variant.
Coding change: c.1841T>G on transcript NM_001130009.3 (MANE Select); coding-DNA position 1841, T replaced by G.
Protein change: p.Val614Gly; replaces valine 614 with glycine.
Molecular consequence: missense variant.
Genome position (GRCh38, 1-based): chr2:17,781,053, T>G. VCF-style: chr2-17781053-T-G. GRCh37 (hg19) VCF-style: chr2-17962320-T-G.
Other names: c.1841T>G, p.Val614Gly (NM_182625.5); short protein forms V614G.
Identifiers: ClinVar variation 4029247 (VCV004029247.1).